The following is an entry in ClinVar:

ClinVar aggregate classification (germline): Uncertain significance (1 of 4 stars; one submission).

Conditions:
Immunodeficiency 35 (IMD35). Also called: TYK2 DEFICIENCY; HIES WITH ATYPICAL MYCOBACTERIOSIS, AUTOSOMAL RECESSIVE; HYPER-IgE SYNDROME WITH ATYPICAL MYCOBACTERIOSIS, AUTOSOMAL RECESSIVE; Susceptibility to infection due to TYK2 deficiency. Identifiers: Orphanet 331226, MedGen C1969086, MONDO:0012682, OMIM 611521.

gnomAD v4.1: 19 of 1,613,994 alleles (0.0012%); highest among the groups gnomAD compares: Non-Finnish European, 0.0016%; no homozygotes.

Submission:

Labcorp Genetics (formerly Invitae), Labcorp
Classification: Uncertain significance for Immunodeficiency 35. Last evaluated: 2022-02-05. Review status: criteria provided, single submitter. Criteria: Invitae Variant Classification Sherloc (09022015). Collection method: clinical testing. Allele origin: germline.
Comment: This sequence change replaces arginine, which is basic and polar, with glycine, which is neutral and non-polar, at codon 1130 of the TYK2 protein (p.Arg1130Gly). This variant is not present in population databases (gnomAD no frequency). This variant has not been reported in the literature in individuals affected with TYK2-related conditions. Algorithms developed to predict the effect of missense changes on protein structure and function are either unavailable or do not agree on the potential impact of this missense change (SIFT: "Not Available"; PolyPhen-2: "Possibly Damaging"; Align-GVGD: "Not Available"). In summary, the available evidence is currently insufficient to determine the role of this variant in disease. Therefore, it has been classified as a Variant of Uncertain Significance.

NM_003331.5(TYK2):c.3388C>G (p.Arg1130Gly)

Gene: TYK2 (tyrosine kinase 2; minus strand). Cytogenetic location: 19p13.2.
Variant type: single nucleotide variant.
Coding change: c.3388C>G on transcript NM_003331.5 (MANE Select); coding-DNA position 3388, C replaced by G.
Protein change: p.Arg1130Gly; replaces arginine 1130 with glycine.
Molecular consequence: missense variant. On other transcripts: intron variant (1).
Genome position (GRCh38, 1-based): chr19:10,351,093, G>C on the plus strand (C>G on the coding strand, the complement: TYK2 is on the minus strand). VCF-style: chr19-10351093-G-C. GRCh37 (hg19) VCF-style: chr19-10461769-G-C.
Other names: c.3238C>G, p.Arg1080Gly (NM_001385198.1); c.3202C>G, p.Arg1068Gly (NM_001385199.1); c.3385C>G, p.Arg1129Gly (NM_001385200.1); c.3190C>G, p.Arg1064Gly (NM_001385201.1); c.3304C>G, p.Arg1102Gly (NM_001385202.1); c.3469C>G, p.Arg1157Gly (NM_001385203.1); c.3598C>G, p.Arg1200Gly (NM_001385204.1); c.3298C>G, p.Arg1100Gly (NM_001385205.1); and 3 more; short protein forms R1080G, R1100G, R1129G, R1102G, R1157G, R1064G, R1124G, R1068G.
Identifiers: ClinVar variation 1466635 (VCV001466635.6), dbSNP rs779037308, ClinGen allele CA305191547.